The following is an entry in ClinVar:

NM_000455.5(STK11):c.618G>T (p.Ala206=)

Gene: STK11 (serine/threonine kinase 11; plus strand). Cytogenetic location: 19p13.3.
Variant type: single nucleotide variant.
Coding change: c.618G>T on transcript NM_000455.5 (MANE Select); coding-DNA position 618, G replaced by T.
Protein change: p.Ala206=; no amino-acid change (alanine 206 retained).
Molecular consequence: synonymous variant.
Genome position (GRCh38, 1-based): chr19:1,220,601, G>T. VCF-style: chr19-1220601-G-T. GRCh37 (hg19) VCF-style: chr19-1220600-G-T.
Identifiers: ClinVar variation 184159 (VCV000184159.23), dbSNP rs370976710, ClinGen allele CA023167.

ClinVar aggregate classification (germline): Benign/Likely benign. Review status: criteria provided, multiple submitters, no conflicts (2 of 4 stars). 7 submissions from 7 submitters: Benign (1); Likely benign (6). Last evaluated 2025-12-17.

Conditions:
Hereditary cancer-predisposing syndrome. Also called: Tumor predisposition; Hereditary Cancer Syndrome; Hereditary neoplastic syndrome; Neoplastic Syndromes, Hereditary. Identifiers: Orphanet 140162, MedGen C0027672, MeSH D009386, MONDO:0015356.
Peutz-Jeghers syndrome (PJS). Also called: POLYPOSIS, HAMARTOMATOUS INTESTINAL; POLYPS-AND-SPOTS SYNDROME; Peutz-Jeghers polyposis; Periorificial lentiginosis syndrome. Identifiers: Orphanet 2869, MedGen C0031269, MeSH D010580, MONDO:0008280, OMIM 175200.

Allele frequency attached by ClinVar (database versions not stated): TOPMed 0.00002.
gnomAD v4.1: 5 of 1,593,194 alleles (0.00031%); highest among the groups gnomAD compares: Non-Finnish European, 0.00043%; no homozygotes.

Submissions (7):

Labcorp Genetics (formerly Invitae), Labcorp
Classification: Likely benign for Peutz-Jeghers syndrome. Last evaluated: 2025-12-17. Review status: criteria provided, single submitter. Criteria: Invitae Variant Classification Sherloc (09022015). Collection method: clinical testing. Allele origin: germline.

Myriad Genetics, Inc.
Classification: Benign for Peutz-Jeghers syndrome. Last evaluated: 2025-03-26. Review status: criteria provided, single submitter. Criteria: Myriad Autosomal Dominant, Autosomal Recessive and X-Linked Classification Criteria (2023). Collection method: clinical testing. Allele origin: unknown.
Comment: This variant is considered benign. This variant is a silent/synonymous amino acid change and it is not expected to impact splicing.

All of Us Research Program, National Institutes of Health
Classification: Likely benign for Peutz-Jeghers syndrome. Last evaluated: 2023-08-23. Review status: criteria provided, single submitter. Criteria: ACMG Guidelines, 2015. Collection method: clinical testing. Allele origin: germline. Inheritance: Autosomal dominant inheritance. Observed: 1 variant allele, 1 heterozygote.
Comment: This study involves interpretation of variants in research participants for the purpose of population health screening. Participant phenotype was not available at the time of variant classification. Additional details can be found in publication PMID: 35346344, PMCID: PMC8962531

Sema4
Classification: Likely benign for Hereditary cancer-predisposing syndrome. Last evaluated: 2021-08-26. Review status: criteria provided, single submitter. Criteria: Sema4 Curation Guidelines. Collection method: curation. Allele origin: germline.

GeneDx
Classification: Likely benign. Last evaluated: 2021-03-22. Review status: criteria provided, single submitter. Criteria: GeneDx Variant Classification Process June 2021. Collection method: clinical testing. Allele origin: germline. Affected: yes.

Color Diagnostics, LLC DBA Color Health
Classification: Likely benign for Hereditary cancer-predisposing syndrome. Last evaluated: 2016-12-16. Review status: criteria provided, single submitter. Criteria: ACMG Guidelines, 2015. Collection method: clinical testing. Allele origin: germline.

Ambry Genetics
Classification: Likely benign for Hereditary cancer-predisposing syndrome. Last evaluated: 2016-01-07. Review status: criteria provided, single submitter. Criteria: Ambry Variant Classification Scheme 2023. Collection method: clinical testing. Allele origin: germline.